The following is an entry in ClinVar:

NC_000007.13:g.(?_100224366)_(100227015_?)dup

Gene: TFR2 (transferrin receptor 2; minus strand). Cytogenetic location: 7q22.1.
Variant type: Duplication.
Identifiers: ClinVar variation 3245721 (VCV003245721.1).

ClinVar aggregate classification (germline): Likely pathogenic (1 of 4 stars; one submission).

Conditions:
Hereditary hemochromatosis (HFE). Identifiers: MedGen C0392514, MONDO:0006507. Disease mechanism: loss of function.

Submission:

Labcorp Genetics (formerly Invitae), Labcorp
Classification: Likely pathogenic for Hereditary hemochromatosis. Last evaluated: 2023-04-10. Review status: criteria provided, single submitter. Criteria: Invitae Variant Classification Sherloc (09022015). Collection method: clinical testing. Allele origin: unknown.
Comment: This variant results in a copy number gain of the genomic region encompassing exon(s) 10-17 of the TFR2 gene. While the exact position of this variant cannot be determined from the data, sub-genic copy number gains are generally in tandem (PMID: 25640679). This variant is predicted to be out-of-frame, and may result in an absent or disrupted protein product. Loss-of-function variants in TFR2 are known to be pathogenic (PMID: 23600741, 26029709). In summary, the currently available evidence indicates that the variant is pathogenic, but additional data are needed to prove that conclusively. Therefore, this variant has been classified as Likely Pathogenic. This variant has not been reported in the literature in individuals affected with TFR2-related conditions.

Literature cited by the submitters: PubMed 25640679; PubMed 23600741; PubMed 26029709.